The following is an entry in ClinVar:

ClinVar aggregate classification (germline): Pathogenic. Review status: criteria provided, multiple submitters, no conflicts (2 of 4 stars). 4 submissions from 4 submitters: Pathogenic (3). 1 of the submissions does not count toward it. Last evaluated 2024-11-20.

Conditions:
Metachromatic leukodystrophy (MLD). Also called: METACHROMATIC LEUKOENCEPHALOPATHY; SULFATIDE LIPIDOSIS; Cerebral sclerosis diffuse metachromatic form; Arylsulfatase A Deficiency; ARSA DEFICIENCY; CEREBROSIDE SULFATASE DEFICIENCY. Identifiers: Orphanet 512, MedGen C0023522, MONDO:0018868, OMIM 250100.

Submissions (4):

Women's Health and Genetics/Laboratory Corporation of America, LabCorp
Classification: Pathogenic for Metachromatic leukodystrophy. Last evaluated: 2024-11-20. Review status: criteria provided, single submitter. Criteria: LabCorp Variant Classification Summary - May 2015. Collection method: clinical testing. Allele origin: germline.
Comment: Variant summary: ARSA c.986C>T (p.Thr329Ile) results in a non-conservative amino acid change located in the Sulfatase, N-terminal domain (IPR000917) of the encoded protein sequence. Three of four in-silico tools predict a damaging effect of the variant on protein function. The frequency data for this variant in gnomAD is considered unreliable, as metrics indicate poor data quality at this position. c.986C>T has been reported in the literature in multiple compound heterozygous individuals affected with Metachromatic Leukodystrophy (e.g. Gort_1999, Bertelli_2006); and patient derived samples demonstrated less than 2% residual activity in these cases. These data indicate that the variant is likely to be associated with disease. The following publications have been ascertained in the context of this evaluation (PMID: 10477432, 16678723, 37480112). ClinVar contains an entry for this variant (Variation ID: 93128). Based on the evidence outlined above, the variant was classified as pathogenic.

Labcorp Genetics (formerly Invitae), Labcorp
Classification: Pathogenic for Metachromatic leukodystrophy. Last evaluated: 2022-06-20. Review status: criteria provided, single submitter. Criteria: Invitae Variant Classification Sherloc (09022015). Collection method: clinical testing. Allele origin: germline.
Comment: This sequence change replaces threonine, which is neutral and polar, with isoleucine, which is neutral and non-polar, at codon 329 of the ARSA protein (p.Thr329Ile). For these reasons, this variant has been classified as Pathogenic. Advanced modeling of protein sequence and biophysical properties (such as structural, functional, and spatial information, amino acid conservation, physicochemical variation, residue mobility, and thermodynamic stability) performed at Invitae indicates that this missense variant is expected to disrupt ARSA protein function. ClinVar contains an entry for this variant (Variation ID: 93128). This variant is also known as T327I. This missense change has been observed in individual(s) with metachromatic leukodystrophy (PMID: 10477432). This variant is not present in population databases (gnomAD no frequency).

Eurofins Ntd Llc (ga)
Classification: Pathogenic. Last evaluated: 2012-11-26. Review status: criteria provided, single submitter. Criteria: EGL Classification Definitions 2015. Collection method: clinical testing. Allele origin: germline. Observed: 1 variant allele, 1 heterozygote.

Counsyl
Classification: Likely pathogenic for Metachromatic leukodystrophy. Last evaluated: 2017-11-21. Review status: no assertion criteria provided. Collection method: clinical testing. Allele origin: unknown. Not counted in ClinVar's aggregate classification.

Literature cited by the submitters: PubMed 10477432 (cited by 3 submitters); PubMed 16678723 (cited by Women's Health and Genetics/Laboratory Corporation of America, LabCorp and Counsyl); PubMed 37480112 (cited by Women's Health and Genetics/Laboratory Corporation of America, LabCorp).

NM_000487.6(ARSA):c.986C>T (p.Thr329Ile)

Gene: ARSA (arylsulfatase A; minus strand). Cytogenetic location: 22q13.33.
Variant type: single nucleotide variant.
Coding change: c.986C>T on transcript NM_000487.6 (MANE Select); coding-DNA position 986, C replaced by T.
Protein change: p.Thr329Ile; replaces threonine 329 with isoleucine.
Molecular consequence: missense variant.
Genome position (GRCh38, 1-based): chr22:50,626,057, G>A on the plus strand (C>T on the coding strand, the complement: ARSA is on the minus strand). VCF-style: chr22-50626057-G-A. GRCh37 (hg19) VCF-style: chr22-51064485-G-A.
Other names: c.986C>T, p.Thr329Ile (NM_001085425.3, NM_001085426.3, NM_001085427.3); c.728C>T, p.Thr243Ile (NM_001085428.3, NM_001362782.2); short protein forms T329I, T243I.
Identifiers: ClinVar variation 93128 (VCV000093128.19), dbSNP rs398123418, ClinGen allele CA278425.
Genomic context (GRCh38, chr22:50,626,057, plus strand): 5'-GGGGCCCCAGCCAGGGCTGCCAGGGTAGGCAGCAGGTCCAGGGAGCTGGCCAGCTCGTGG[G>A]TCACGCCTGGGGGCAGGAGGCTGGTCAGTCACTCAGTTCGCCATCAAGGTTGGGGTGGTG-3'
Protein context (NP_000478.3, residues 319-339): FWPGHIAPGV[Thr329Ile]HELASSLDLL